The following is an entry in ClinVar:

NM_000390.4(CHM):c.1437dup (p.Glu480fs)

Gene: CHM (CHM Rab escort protein; minus strand). Cytogenetic location: Xq21.2.
Variant type: Duplication.
Coding change: c.1437dup on transcript NM_000390.4 (MANE Select); coding-DNA position 1437, one base duplicated (A; older notation c.1437dupA).
Protein change: p.Glu480fs; shifts the reading frame from glutamic acid 480.
Molecular consequence: frameshift variant.
Genome position (GRCh38, 1-based): chrX:85,894,261, T duplicated on the plus strand (A on the coding strand, the reverse complement: CHM is on the minus strand). VCF-style (leftmost placement, unchanged base first): chrX-85894260-C-CT. GRCh37 (hg19) VCF-style: chrX-85149265-C-CT.
Other names: c.1437dup (LRG_699t1); c.993dup, p.Glu332fs (NM_001320959.1, NM_001362517.1, NM_001362518.2 and 1 more transcripts); short protein forms E332fs, E480fs.
Identifiers: ClinVar variation 372324 (VCV000372324.9), dbSNP rs1057517717, ClinGen allele CA16043323.

ClinVar aggregate classification (germline): Pathogenic. Review status: criteria provided, multiple submitters, no conflicts (2 of 4 stars). 2 submissions from 2 submitters: Pathogenic (2). Last evaluated 2021-07-24.

Allele frequency attached by ClinVar (database versions not stated): gnomAD 0.00001 and 0.00005.

Submissions (2):

Labcorp Genetics (formerly Invitae), Labcorp
Classification: Pathogenic. Last evaluated: 2021-07-24. Review status: criteria provided, single submitter. Criteria: Invitae Variant Classification Sherloc (09022015). Collection method: clinical testing. Allele origin: germline.
Comment: This sequence change creates a premature translational stop signal (p.Glu480Argfs*12) in the CHM gene. It is expected to result in an absent or disrupted protein product. Loss-of-function variants in CHM are known to be pathogenic (PMID: 9067750, 23811034). This variant is not present in population databases (ExAC no frequency). This variant has been observed in individual(s) with clinical features of choroideremia (PMID: 31233164). ClinVar contains an entry for this variant (Variation ID: 372324). For these reasons, this variant has been classified as Pathogenic.

GeneDx
Classification: Pathogenic. Last evaluated: 2015-04-28. Review status: criteria provided, single submitter. Criteria: GeneDx Variant Classification (06012015). Collection method: clinical testing. Allele origin: germline. Affected: yes.
Comment: The c.1437dupA variant in the CHM gene causes a frameshift starting with codon Glutamic acid 480, changes this amino acid to an Arginine residue and creates a premature Stop codon at position 12 of the new reading frame, denoted p.Glu480ArgfsX12. This variant is predicted to cause loss of normal protein function either through protein truncation or nonsense mediated mRNA decay. Although this variant has notbeen previously reported to our knowledge, we interpret it as pathogenic.

Literature cited by the submitters: PubMed 9067750 (cited by Labcorp Genetics (formerly Invitae), Labcorp); PubMed 23811034 (cited by Labcorp Genetics (formerly Invitae), Labcorp); PubMed 31233164 (cited by Labcorp Genetics (formerly Invitae), Labcorp).